The following is an entry in ClinVar:

NM_001851.6(COL9A1):c.1976T>G (p.Leu659Arg)

Gene: COL9A1 (collagen type IX alpha 1 chain; minus strand). Cytogenetic location: 6q13.
Variant type: single nucleotide variant.
Coding change: c.1976T>G on transcript NM_001851.6 (MANE Select); coding-DNA position 1976, T replaced by G.
Protein change: p.Leu659Arg; replaces leucine 659 with arginine.
Molecular consequence: missense variant. On other transcripts: non-coding transcript variant (1).
Genome position (GRCh38, 1-based): chr6:70,241,986, A>C on the plus strand (T>G on the coding strand, the complement: COL9A1 is on the minus strand). VCF-style: chr6-70241986-A-C. GRCh37 (hg19) VCF-style: chr6-70951689-A-C.
Other names: c.1277T>G, p.Leu426Arg (NM_001377289.1); c.1247T>G, p.Leu416Arg (NM_001377290.1, NM_078485.4); short protein forms L659R, L416R, L426R.
Identifiers: ClinVar variation 1491372 (VCV001491372.8), dbSNP rs1770287143, ClinGen allele CA364675588.

ClinVar aggregate classification (germline): Uncertain significance (1 of 4 stars; one submission).

Allele frequency attached by ClinVar (database versions not stated): TOPMed below 0.00001.

Submission:

Labcorp Genetics (formerly Invitae), Labcorp
Classification: Uncertain significance. Last evaluated: 2021-06-24. Review status: criteria provided, single submitter. Criteria: Invitae Variant Classification Sherloc (09022015). Collection method: clinical testing. Allele origin: germline.
Comment: This variant is not present in population databases (ExAC no frequency). In summary, the available evidence is currently insufficient to determine the role of this variant in disease. Therefore, it has been classified as a Variant of Uncertain Significance. Advanced modeling of protein sequence and biophysical properties (such as structural, functional, and spatial information, amino acid conservation, physicochemical variation, residue mobility, and thermodynamic stability) performed at Invitae indicates that this missense variant is not expected to disrupt COL9A1 protein function. This variant has not been reported in the literature in individuals with COL9A1-related conditions. This sequence change replaces leucine with arginine at codon 659 of the COL9A1 protein (p.Leu659Arg). The leucine residue is highly conserved and there is a moderate physicochemical difference between leucine and arginine.